The following is an entry in ClinVar:

NM_001077446.4(TSEN34):c.274G>C (p.Glu92Gln)

Gene: TSEN34 (tRNA splicing endonuclease subunit 34; plus strand). Cytogenetic location: 19q13.42.
Variant type: single nucleotide variant.
Coding change: c.274G>C on transcript NM_001077446.4 (MANE Select); coding-DNA position 274, G replaced by C.
Protein change: p.Glu92Gln; replaces glutamic acid 92 with glutamine.
Molecular consequence: missense variant.
Genome position (GRCh38, 1-based): chr19:54,191,751, G>C. VCF-style: chr19-54191751-G-C. GRCh37 (hg19) VCF-style: chr19-54695602-G-C.
Other names: c.274G>C, p.Glu92Gln (NM_001282332.2, NM_001282333.2, NM_001386740.1 and 1 more transcripts); short protein forms E92Q.
Identifiers: ClinVar variation 893804 (VCV000893804.7), dbSNP rs200274242, ClinGen allele CA309373639.

ClinVar aggregate classification (germline): Conflicting classifications of pathogenicity. Review status: criteria provided, conflicting classifications (1 of 4 stars). 3 submissions from 3 submitters: Uncertain significance (2); Likely benign (1). Last evaluated 2023-08-05.

Conditions:
Pontoneocerebellar hypoplasia. Also called: Pontocerebellar hypoplasia; Non-syndromic pontocerebellar hypoplasia. Identifiers: Orphanet 98523, MedGen C1261175, MONDO:0020135.

Allele frequency attached by ClinVar (database versions not stated): gnomAD 0.00002 and 0.00003; TOPMed 0.00002; 1000 Genomes Project 0.00020; 1000 Genomes Project 30x 0.00062.
gnomAD v4.1: 95 of 1,614,182 alleles (0.0059%); highest among the groups gnomAD compares: Non-Finnish European, 0.0078%; no homozygotes.

Submissions (3):

Ambry Genetics
Classification: Likely benign. Last evaluated: 2023-08-05. Review status: criteria provided, single submitter. Criteria: Ambry Variant Classification Scheme 2023. Collection method: clinical testing. Allele origin: germline.

GeneDx
Classification: Uncertain significance. Last evaluated: 2020-01-13. Review status: criteria provided, single submitter. Criteria: GeneDx Variant Classification Process June 2021. Collection method: clinical testing. Allele origin: germline. Affected: yes.
Comment: Not observed at a significant frequency in large population cohorts (Lek et al., 2016); In silico analysis, which includes protein predictors and evolutionary conservation, supports that this variant does not alter protein structure/function; Has not been previously published as pathogenic or benign to our knowledge

Illumina Laboratory Services, Illumina
Classification: Uncertain significance for Pontoneocerebellar hypoplasia. Last evaluated: 2018-01-12. Review status: criteria provided, single submitter. Criteria: ICSL Variant Classification Criteria 13 December 2019. Collection method: clinical testing. Allele origin: germline.